The following is an entry in ClinVar:

NM_054027.6(ANKH):c.976A>C (p.Lys326Gln)

Gene: ANKH (ANKH inorganic pyrophosphate transport regulator; minus strand). Cytogenetic location: 5p15.2.
Variant type: single nucleotide variant.
Coding change: c.976A>C on transcript NM_054027.6 (MANE Select); coding-DNA position 976, A replaced by C.
Protein change: p.Lys326Gln; replaces lysine 326 with glutamine.
Molecular consequence: missense variant.
Genome position (GRCh38, 1-based): chr5:14,741,862, T>G on the plus strand (A>C on the coding strand, the complement: ANKH is on the minus strand). VCF-style: chr5-14741862-T-G. GRCh37 (hg19) VCF-style: chr5-14741971-T-G.
Other names: short protein forms K326Q.
Identifiers: ClinVar variation 2635991 (VCV002635991.2), dbSNP rs763012754, ClinGen allele CA3208966.

ClinVar aggregate classification (germline): Uncertain significance. Review status: criteria provided, multiple submitters, no conflicts (2 of 4 stars). 2 submissions from 2 submitters: Uncertain significance (2). Last evaluated 2025-02-03.

Conditions:
ANKH-related disorder. Also called: ANKH-related condition; ANKH-Related Disorders.

Allele frequency attached by ClinVar (database versions not stated): ExAC 0.00001; gnomAD exomes 0.00001.
gnomAD v4.1: 5 of 1,614,114 alleles (0.00031%); highest among the groups gnomAD compares: Non-Finnish European, 0.00042%; no homozygotes.

Submissions (2):

GeneDx
Classification: Uncertain significance. Last evaluated: 2025-02-03. Review status: criteria provided, single submitter. Criteria: GeneDx Variant Classification Process June 2021. Collection method: clinical testing. Allele origin: germline. Affected: yes.
Comment: Not observed at significant frequency in large population cohorts (gnomAD); In silico analysis indicates that this missense variant does not alter protein structure/function; Has not been previously published as pathogenic or benign to our knowledge

PreventionGenetics, part of Exact Sciences
Classification: Uncertain significance for ANKH-related condition. Last evaluated: 2022-09-20. Review status: criteria provided, single submitter. Criteria: ACMG Guidelines, 2015. Collection method: clinical testing. Allele origin: germline.
Comment: The ANKH c.976A>C variant is predicted to result in the amino acid substitution p.Lys326Gln. To our knowledge, this variant has not been reported in the literature or in a large population database, indicating this variant is rare. At this time, the clinical significance of this variant is uncertain due to the absence of conclusive functional and genetic evidence.